The following is an entry in ClinVar:

NM_152468.5(TMC8):c.1787C>G (p.Ser596Cys)

Gene: TMC8 (transmembrane channel like 8; plus strand). Cytogenetic location: 17q25.3.
Variant type: single nucleotide variant.
Coding change: c.1787C>G on transcript NM_152468.5 (MANE Select); coding-DNA position 1787, C replaced by G.
Protein change: p.Ser596Cys; replaces serine 596 with cysteine.
Molecular consequence: missense variant.
Genome position (GRCh38, 1-based): chr17:78,138,696, C>G. VCF-style: chr17-78138696-C-G. GRCh37 (hg19) VCF-style: chr17-76134777-C-G.
Other names: c.1787C>G (NM_152468.4); short protein forms S596C.
Identifiers: ClinVar variation 1430370 (VCV001430370.7), dbSNP rs780927655, ClinGen allele CA8796978.

ClinVar aggregate classification (germline): Uncertain significance. Review status: criteria provided, multiple submitters, no conflicts (2 of 4 stars). 2 submissions from 2 submitters: Uncertain significance (2). Last evaluated 2021-12-03.

Conditions:
Epidermodysplasia verruciformis. Identifiers: Orphanet 302, MedGen C0014522, MONDO:0009176.
Inborn genetic diseases. Identifiers: MedGen C0950123, MeSH D030342.

Allele frequency attached by ClinVar (database versions not stated): ExAC 0.00003; gnomAD exomes 0.00004.
gnomAD v4.1: 38 of 1,612,284 alleles (0.0024%); highest among the groups gnomAD compares: South Asian, 0.042%; no homozygotes.

Submissions (2):

Ambry Genetics
Classification: Uncertain significance for Inborn genetic diseases. Last evaluated: 2021-12-03. Review status: criteria provided, single submitter. Criteria: Ambry Variant Classification Scheme 2023. Collection method: clinical testing. Allele origin: germline.

Labcorp Genetics (formerly Invitae), Labcorp
Classification: Uncertain significance for Epidermodysplasia verruciformis. Last evaluated: 2021-03-08. Review status: criteria provided, single submitter. Criteria: Invitae Variant Classification Sherloc (09022015). Collection method: clinical testing. Allele origin: germline.
Comment: This sequence change replaces serine with cysteine at codon 596 of the TMC8 protein (p.Ser596Cys). The serine residue is highly conserved and there is a moderate physicochemical difference between serine and cysteine. In summary, the available evidence is currently insufficient to determine the role of this variant in disease. Therefore, it has been classified as a Variant of Uncertain Significance. Algorithms developed to predict the effect of missense changes on protein structure and function (SIFT, PolyPhen-2, Align-GVGD) all suggest that this variant is likely to be disruptive, but these predictions have not been confirmed by published functional studies and their clinical significance is uncertain. This variant has not been reported in the literature in individuals with TMC8-related conditions. This variant is present in population databases (rs780927655, ExAC 0.02%).